The following is an entry in ClinVar:

ClinVar aggregate classification (germline): Likely benign. Review status: criteria provided, multiple submitters, no conflicts (2 of 4 stars). 2 submissions from 2 submitters: Likely benign (2). Last evaluated 2024-12-09.

Conditions:
MAP3K1-related disorder. Also called: MAP3K1-related condition.

Allele frequency attached by ClinVar (database versions not stated): ESP Exome Variant Server 0.00008; TOPMed 0.00011; gnomAD exomes 0.00012 and 0.00015; gnomAD 0.00013; ExAC 0.00015; 1000 Genomes Project 30x 0.00016; 1000 Genomes Project 0.00020.
gnomAD v4.1: 235 of 1,613,810 alleles (0.015%); highest among the groups gnomAD compares: Non-Finnish European, 0.018%; no homozygotes.

Submissions (2):

PreventionGenetics, part of Exact Sciences
Classification: Likely benign for MAP3K1-related condition. Last evaluated: 2024-12-09. Review status: criteria provided, single submitter. Criteria: ACMG Guidelines, 2015. Collection method: clinical testing. Allele origin: germline.
Comment: This variant is classified as likely benign based on ACMG/AMP sequence variant interpretation guidelines (Richards et al. 2015 PMID: 25741868, with internal and published modifications).

Labcorp Genetics (formerly Invitae), Labcorp
Classification: Likely benign. Last evaluated: 2018-06-04. Review status: criteria provided, single submitter. Criteria: Invitae Variant Classification Sherloc (09022015). Collection method: clinical testing. Allele origin: germline.

NM_005921.2(MAP3K1):c.3939G>A (p.Thr1313=)

Gene: MAP3K1 (mitogen-activated protein kinase kinase kinase 1; plus strand). Cytogenetic location: 5q11.2.
Variant type: single nucleotide variant.
Coding change: c.3939G>A on transcript NM_005921.2 (MANE Select); coding-DNA position 3939, G replaced by A.
Protein change: p.Thr1313=; no amino-acid change (threonine 1313 retained).
Molecular consequence: synonymous variant.
Genome position (GRCh38, 1-based): chr5:56,884,783, G>A. VCF-style: chr5-56884783-G-A. GRCh37 (hg19) VCF-style: chr5-56180610-G-A.
Identifiers: ClinVar variation 783244 (VCV000783244.4), dbSNP rs199940554, ClinGen allele CA3273274.